The following is an entry in ClinVar:

ClinVar aggregate classification (germline): Uncertain significance (1 of 4 stars; one submission).

Conditions:
Chondrodysplasia punctata, brachytelephalangic, autosomal. Also called: BRACHYTELEPHALANGIC CHONDRODYSPLASIA PUNCTATA. Identifiers: MedGen C1844853, MONDO:0011238, OMIM 602497.

Allele frequency attached by ClinVar (database versions not stated): gnomAD 0.00011 and 0.00012; TOPMed 0.00011; gnomAD exomes 0.00002; ExAC 0.00002.
gnomAD v4.1: 34 of 1,210,213 alleles (0.0028%); highest among the groups gnomAD compares: Admixed American, 0.046%; no homozygotes.

Submission:

Labcorp Genetics (formerly Invitae), Labcorp
Classification: Uncertain significance for Chondrodysplasia punctata, brachytelephalangic, autosomal. Last evaluated: 2025-01-20. Review status: criteria provided, single submitter. Criteria: Invitae Variant Classification Sherloc (09022015). Collection method: clinical testing. Allele origin: germline.
Comment: This sequence change replaces isoleucine, which is neutral and non-polar, with threonine, which is neutral and polar, at codon 50 of the ARSE protein (p.Ile50Thr). This variant is present in population databases (rs774620797, gnomAD 0.03%), and has an allele count higher than expected for a pathogenic variant. This variant has not been reported in the literature in individuals affected with ARSE-related conditions. ClinVar contains an entry for this variant (Variation ID: 1683206). Invitae Evidence Modeling of protein sequence and biophysical properties (such as structural, functional, and spatial information, amino acid conservation, physicochemical variation, residue mobility, and thermodynamic stability) indicates that this missense variant is not expected to disrupt ARSE protein function with a negative predictive value of 80%. In summary, the available evidence is currently insufficient to determine the role of this variant in disease. Therefore, it has been classified as a Variant of Uncertain Significance.

NM_000047.3(ARSL):c.149T>C (p.Ile50Thr)

Gene: ARSL (arylsulfatase L; minus strand). Cytogenetic location: Xp22.33.
Variant type: single nucleotide variant.
Coding change: c.149T>C on transcript NM_000047.3 (MANE Select); coding-DNA position 149, T replaced by C.
Protein change: p.Ile50Thr; replaces isoleucine 50 with threonine.
Molecular consequence: missense variant. On other transcripts: intron variant (1).
Genome position (GRCh38, 1-based): chrX:2,958,310, A>G on the plus strand (T>C on the coding strand, the complement: ARSL is on the minus strand). VCF-style: chrX-2958310-A-G. GRCh37 (hg19) VCF-style: chrX-2876351-A-G.
Other names: c.224T>C, p.Ile75Thr (NM_001282628.2, NM_001369080.1); c.176T>C, p.Ile59Thr (NM_001369079.1); c.23+2068T>C (NM_001282631.2); short protein forms I50T, I59T, I75T.
Identifiers: ClinVar variation 1683206 (VCV001683206.7), dbSNP rs774620797, ClinGen allele CA10338243.